The following is an entry in ClinVar:

NM_201525.4(ADGRG1):c.843_844delinsGC (p.Ser281_Gly282delinsArgArg)

Gene: ADGRG1 (adhesion G protein-coupled receptor G1; plus strand). Cytogenetic location: 16q21.
Variant type: Indel.
Coding change: c.843_844delinsGC on transcript NM_201525.4 (MANE Select); coding-DNA positions 843 to 844, CG replaced by GC.
Protein change: p.Ser281_Gly282delinsArgArg.
Molecular consequence: missense variant.
Genome position (GRCh38, 1-based): chr16:57,655,473-57,655,474, CG replaced by GC. VCF-style: chr16-57655473-CG-GC. GRCh37 (hg19) VCF-style: chr16-57689385-CG-GC.
Other names: c.843_844delinsGC, p.Ser281_Gly282delinsArgArg (NM_001145770.3, NM_001145771.3, NM_001145772.3 and 16 more transcripts); c.858_859delinsGC, p.Ser286_Gly287delinsArgArg (NM_001145773.3, NM_001370433.1); c.333_334delinsGC, p.Ser111_Gly112delinsArgArg (NM_001290142.2); c.318_319delinsGC, p.Ser106_Gly107delinsArgArg (NM_001290143.2, NM_001290144.2, NM_001370451.1 and 2 more transcripts); c.687_688delinsGC, p.Ser229_Gly230delinsArgArg (NM_001370442.1).
Identifiers: ClinVar variation 372698 (VCV000372698.13), dbSNP rs1057517931, ClinGen allele CA16042948.
Genomic context (GRCh38, chr16:57,655,473, plus strand): 5'-GATCATGGAGTACTCGGTGCTGCTGCCTCGAACACTCTTCCAGAGGACGAAAGGCCGGAG[CG>GC]GGGAGGCTGAGAAGAGACTCCTCCTGGTGGACTTCAGCAGCCAAGCCCTGTTCCAGGTAT-3'

ClinVar aggregate classification (germline): Conflicting classifications of pathogenicity. Review status: criteria provided, conflicting classifications (1 of 4 stars). 3 submissions from 3 submitters: Uncertain significance (2); Benign (1). Last evaluated 2026-02-01.

Conditions:
Polymicrogyria, bilateral perisylvian, autosomal recessive (CDCBM14B). Also called: CORTICAL DYSPLASIA, COMPLEX, WITH OTHER BRAIN MALFORMATIONS 14B (BILATERAL PERISYLVIAN). Identifiers: MedGen C3810405, MONDO:0014333, OMIM 615752.
Bilateral frontoparietal polymicrogyria. Also called: CORTICAL DYSPLASIA, COMPLEX, WITH OTHER BRAIN MALFORMATIONS 14A (BILATERAL FRONTOPARIETAL); CEREBELLAR ATAXIA WITH NEURONAL MIGRATION DEFECT. Identifiers: Orphanet 101070, MedGen C1847352, MONDO:0011738, OMIM 606854.

Submissions (3):

Labcorp Genetics (formerly Invitae), Labcorp
Classification: Benign. Last evaluated: 2026-02-01. Review status: criteria provided, single submitter. Criteria: Invitae Variant Classification Sherloc (09022015). Collection method: clinical testing. Allele origin: germline.

Fulgent Genetics
Classification: Uncertain significance for Bilateral frontoparietal polymicrogyria; Polymicrogyria, bilateral perisylvian, autosomal recessive. Last evaluated: 2018-10-31. Review status: criteria provided, single submitter. Criteria: ACMG Guidelines, 2015. Collection method: clinical testing. Allele origin: unknown.

GeneDx
Classification: Uncertain significance. Last evaluated: 2016-12-02. Review status: criteria provided, single submitter. Criteria: GeneDx Variant Classification (06012015). Collection method: clinical testing. Allele origin: germline. Affected: yes.
Comment: A variant of uncertain significance has been identified in the ADGRG1 gene. The c.843_844delCGinsGC variant has not been published as a pathogenic variant, nor has it been reported as a benign variant to our knowledge. The c.843_844delCGinsGC variant is not observed in large population cohorts (Lek et al., 2016; 1000 Genomes Consortium et al., 2015; Exome Variant Server). The c.843_844delCGinsGC variant is caused by two nucleotide substitutions (c.843C>G and c.844 G>C) on the same allele (in cis), resulting in an in-frame deletion of a Serine and Glycine residue and the insertion of two Arginine residues, denoted p.Ser281_Gly282delinsArgArg. However, the c.843_844delCGinsGC variant alters residues that are not conserved. Therefore, based on the currently available information, it is unclear whether this variant is a pathogenic variant or a rare benign variant.